The following is an entry in ClinVar:

NM_033310.3(KCNK4):c.212G>C (p.Gly71Ala)

Genes: KCNK4 (potassium two pore domain channel subfamily K member 4; plus strand), KCNK4-CATSPERZ (KCNK4-CATSPERZ readthrough (NMD candidate); plus strand). Cytogenetic location: 11q13.1.
Variant type: single nucleotide variant.
Coding change: c.212G>C on transcript NM_033310.3 (MANE Select); coding-DNA position 212, G replaced by C.
Protein change: p.Gly71Ala; replaces glycine 71 with alanine.
Molecular consequence: missense variant. On other transcripts: non-coding transcript variant (3).
Genome position (GRCh38, 1-based): chr11:64,296,900, G>C. VCF-style: chr11-64296900-G-C. GRCh37 (hg19) VCF-style: chr11-64064372-G-C.
Other names: c.212G>C, p.Gly71Ala (NM_001317090.2); short protein forms G71A.
Identifiers: ClinVar variation 1462830 (VCV001462830.8), dbSNP rs1282571012, ClinGen allele CA381161753.

ClinVar aggregate classification (germline): Uncertain significance (1 of 4 stars; one submission).

Submission:

Labcorp Genetics (formerly Invitae), Labcorp
Classification: Uncertain significance. Last evaluated: 2023-04-22. Review status: criteria provided, single submitter. Criteria: Invitae Variant Classification Sherloc (09022015). Collection method: clinical testing. Allele origin: germline.
Comment: This variant is not present in population databases (gnomAD no frequency). This variant has not been reported in the literature in individuals affected with KCNK4-related conditions. ClinVar contains an entry for this variant (Variation ID: 1462830). This sequence change replaces glycine, which is neutral and non-polar, with alanine, which is neutral and non-polar, at codon 71 of the KCNK4 protein (p.Gly71Ala). An algorithm developed to predict the effect of missense changes on protein structure and function (PolyPhen-2) suggests that this variant is likely to be tolerated. In summary, the available evidence is currently insufficient to determine the role of this variant in disease. Therefore, it has been classified as a Variant of Uncertain Significance.